The following is an entry in ClinVar:

NM_006739.4(MCM5):c.133_135del (p.Gly45del)

Gene: MCM5 (minichromosome maintenance complex component 5; plus strand). Cytogenetic location: 22q12.3.
Variant type: Deletion.
Coding change: c.133_135del on transcript NM_006739.4 (MANE Select); coding-DNA positions 133 to 135, 3 bases deleted (GGC; older notation c.133_135delGGC).
Protein change: p.Gly45del; deletes glycine 45.
Molecular consequence: inframe deletion.
Genome position (GRCh38, 1-based): chr22:35,400,571-35,400,573, GGC deleted. VCF-style (leftmost placement, unchanged base first): chr22-35400570-GGGC-G. GRCh37 (hg19) VCF-style: chr22-35796563-GGGC-G.
Other names: short protein forms G45del.
Identifiers: ClinVar variation 1955977 (VCV001955977.5), dbSNP rs753571968, ClinGen allele CA10204907.

ClinVar aggregate classification (germline): Uncertain significance (1 of 4 stars; one submission).

Allele frequency attached by ClinVar (database versions not stated): TOPMed below 0.00001; ExAC 0.00001.

Submission:

Labcorp Genetics (formerly Invitae), Labcorp
Classification: Uncertain significance. Last evaluated: 2024-10-17. Review status: criteria provided, single submitter. Criteria: Invitae Variant Classification Sherloc (09022015). Collection method: clinical testing. Allele origin: germline.
Comment: This variant, c.133_135del, results in the deletion of 1 amino acid(s) of the MCM5 protein (p.Gly45del), but otherwise preserves the integrity of the reading frame. This variant is present in population databases (rs753571968, gnomAD 0.003%). This variant has not been reported in the literature in individuals affected with MCM5-related conditions. ClinVar contains an entry for this variant (Variation ID: 1955977). Experimental studies and prediction algorithms are not available or were not evaluated, and the functional significance of this variant is currently unknown. In summary, the available evidence is currently insufficient to determine the role of this variant in disease. Therefore, it has been classified as a Variant of Uncertain Significance.